The following is an entry in ClinVar:

ClinVar aggregate classification (germline): Uncertain significance. Review status: criteria provided, multiple submitters, no conflicts (2 of 4 stars). 10 submissions from 10 submitters: Uncertain significance (10). Last evaluated 2025-12-09.

Conditions:
Hereditary cancer-predisposing syndrome. Also called: Hereditary Cancer Syndrome; Tumor predisposition; Hereditary neoplastic syndrome; Neoplastic Syndromes, Hereditary. Identifiers: Orphanet 140162, MedGen C0027672, MeSH D009386, MONDO:0015356.
Breast-ovarian cancer, familial, susceptibility to, 4. Identifiers: Orphanet 145, MedGen C3280345, MONDO:0013669, OMIM 614291.
Hereditary breast ovarian cancer syndrome. Also called: Hereditary breast and ovarian cancer syndrome (HBOC); Breast and ovarian cancer; Hereditary breast and/or ovarian cancer syndrome; BRCA1- and BRCA2-Associated Hereditary Breast and Ovarian Cancer; Hereditary breast and ovarian cancer syndrome; Hereditary breast and ovarian cancer. Identifiers: Orphanet 145, MedGen C0677776, MeSH D061325, MONDO:0003582. Disease mechanism: loss of function.

Allele frequency attached by ClinVar (database versions not stated): gnomAD 0.00002; TOPMed 0.00002.

Submissions (10):

Labcorp Genetics (formerly Invitae), Labcorp
Classification: Uncertain significance for Breast-ovarian cancer, familial, susceptibility to, 4. Last evaluated: 2025-12-09. Review status: criteria provided, single submitter. Criteria: Invitae Variant Classification Sherloc (09022015). Collection method: clinical testing. Allele origin: germline.
Comment: This sequence change replaces arginine, which is basic and polar, with glutamine, which is neutral and polar, at codon 300 of the RAD51D protein (p.Arg300Gln). This variant is present in population databases (rs761290755, gnomAD 0.005%). This missense change has been observed in individual(s) with breast and/or ovarian cancer (PMID: 29522266, 35264596). ClinVar contains an entry for this variant (Variation ID: 239405). Invitae Evidence Modeling of protein sequence and biophysical properties (such as structural, functional, and spatial information, amino acid conservation, physicochemical variation, residue mobility, and thermodynamic stability) indicates that this missense variant is expected to disrupt RAD51D protein function with a positive predictive value of 80%. In summary, the available evidence is currently insufficient to determine the role of this variant in disease. Therefore, it has been classified as a Variant of Uncertain Significance.

Ambry Genetics
Classification: Uncertain significance for Hereditary cancer-predisposing syndrome. Last evaluated: 2025-11-04. Review status: criteria provided, single submitter. Criteria: Ambry Variant Classification Scheme 2023. Collection method: clinical testing. Allele origin: germline.
Comment: The p.R300Q variant (also known as c.899G>A), located in coding exon 9 of the RAD51D gene, results from a G to A substitution at nucleotide position 899. The arginine at codon 300 is replaced by glutamine, an amino acid with highly similar properties. This alteration was detected in 2/5,589 German BRCA1/2-negative probands with breast cancer (Hauke J et al. Cancer Med, 2018 04;7:1349-1358). This alteration was detected in a cohort of 1663 Brazilian breast cancer patients who underwent hereditary multigene panel testing (Guindalini RSC et al. Sci Rep, 2022 Mar;12:4190). This variant was also reported in 4/60,466 breast cancer cases as well as 5/53,461 controls (Dorling et al. N Engl J Med. 2021 02;384:428-439). This amino acid position is highly conserved in available vertebrate species. In addition, the in silico prediction for this alteration is inconclusive. Since supporting evidence is limited at this time, the clinical significance of this alteration remains unclear.

GeneDx
Classification: Uncertain significance. Last evaluated: 2025-08-05. Review status: criteria provided, single submitter. Criteria: GeneDx Variant Classification Process June 2021. Collection method: clinical testing. Allele origin: germline. Affected: yes.
Comment: In silico analysis supports that this missense variant has a deleterious effect on protein structure/function; Observed in individuals with breast cancer as well as in unaffected controls (PMID: 29522266, 33471991, 35264596); This variant is associated with the following publications: (PMID: 29522266, 33471991, 35264596, 21111057, 14704354, 19327148)

Color Diagnostics, LLC DBA Color Health
Classification: Uncertain significance for Hereditary cancer-predisposing syndrome. Last evaluated: 2025-06-10. Review status: criteria provided, single submitter. Criteria: ACMG Guidelines, 2015. Collection method: clinical testing. Allele origin: germline.
Comment: This missense variant replaces arginine with glutamine at codon 300 of the RAD51D protein. Computational prediction suggests that this variant may not impact protein structure and function. To our knowledge, functional studies have not been reported for this variant. This variant has been observed in individuals affected with breast cancer (PMID: 33471991, 35264596). This variant has been identified in 6/251374 chromosomes in the general population by the Genome Aggregation Database (gnomAD). The available evidence is insufficient to determine the role of this variant in disease conclusively. Therefore, this variant is classified as a Variant of Uncertain Significance.

German Consortium for Hereditary Breast and Ovarian Cancer, University Hospital Cologne
Classification: Uncertain significance for Hereditary breast ovarian cancer syndrome. Last evaluated: 2025-02-18. Review status: criteria provided, single submitter. Criteria: ACMG Guidelines, 2015. Collection method: curation. Allele origin: germline.
Comment: According to the ACMG SVI adaptation criteria we chose this criterion: BP4 (supporting benign): REVEL: 0.319 (<0.4)

Baylor Genetics
Classification: Uncertain significance for Breast-ovarian cancer, familial, susceptibility to, 4. Last evaluated: 2023-10-16. Review status: criteria provided, single submitter. Criteria: ACMG Guidelines, 2015. Collection method: clinical testing. Allele origin: unknown.

Sema4
Classification: Uncertain significance for Hereditary cancer-predisposing syndrome. Last evaluated: 2022-02-07. Review status: criteria provided, single submitter. Criteria: Sema4 Curation Guidelines. Collection method: curation. Allele origin: germline.
Comment: The RAD51D c.899G>A (p.R300Q) variant has been reported in heterozygosity in at least 2 individuals with breast cancer (PMID: 29522266). It has been reported in a large case-control study of breast cancer in 4/60466 cases and 5/53461 controls (PMID: 33471991). It was observed in 6/113682 chromosomes in the Non-Finnish European population according to the Genome Aggregation Database (PMID: 32461654). This variant has been reported in ClinVar (Variation ID: 239405). Functional studies have not been performed, and in silico predictions of the variant's effect on protein function are inconclusive. The evidence is insufficient to meet ACMG/AMP criteria for classifying the variant as benign or pathogenic. Thus, the clinical significance of this variant is currently uncertain.

Blueprint Genetics
Classification: Uncertain significance. Last evaluated: 2019-07-31. Review status: criteria provided, single submitter. Criteria: ACMG Guidelines, 2015. Collection method: clinical testing. Allele origin: germline.

Mendelics
Classification: Uncertain significance for Hereditary breast and ovarian cancer syndrome. Last evaluated: 2018-07-02. Review status: criteria provided, single submitter. Criteria: Mendelics Assertion Criteria 2017. Collection method: clinical testing. Allele origin: unknown.

Women's Health and Genetics/Laboratory Corporation of America, LabCorp
Classification: Uncertain significance. Last evaluated: 2017-04-20. Review status: criteria provided, single submitter. Criteria: LabCorp Variant Classification Summary - May 2015. Collection method: clinical testing. Allele origin: germline.
Comment: Variant summary: The RAD51D c.899G>A (p.Arg300Gln) variant located in the DNA recombination and repair protein Rad51-like, C-terminal domain (via InterPro) involves the alteration of a conserved nucleotide and 3/4 in silico tools (SNPsandGO not captured due to low reliability index) predict a damaging outcome, although these predictions have yet to be functionally assessed. This variant was found in 2/121282 control chromosomes at a frequency of 0.0000165, which does not exceed the estimated maximal expected allele frequency of a pathogenic RAD51D variant (0.000125). In addition, multiple clinical diagnostic laboratories classified this variant as uncertain significance. The variant of interest has not, to our knowledge, been reported in affected individuals via publications. Because of the absence of clinical information and the lack of functional studies, the variant is classified as a "Variant of Uncertain Significance (VUS)," until additional information becomes available.

Literature cited by the submitters: PubMed 29522266 (cited by 3 submitters); PubMed 35264596 (cited by 3 submitters); PubMed 33471991 (cited by 3 submitters).

NM_002878.4(RAD51D):c.899G>A (p.Arg300Gln)

Genes: RAD51D (RAD51 paralog D; minus strand), RAD51L3-RFFL (RAD51L3-RFFL readthrough; minus strand). Cytogenetic location: 17q12.
Variant type: single nucleotide variant.
Coding change: c.899G>A on transcript NM_002878.4 (MANE Select); coding-DNA position 899, G replaced by A.
Protein change: p.Arg300Gln; replaces arginine 300 with glutamine.
Molecular consequence: missense variant. On other transcripts: non-coding transcript variant (3).
Genome position (GRCh38, 1-based): chr17:35,101,205, C>T on the plus strand (G>A on the coding strand, the complement: RAD51D is on the minus strand). VCF-style: chr17-35101205-C-T. GRCh37 (hg19) VCF-style: chr17-33428224-C-T.
Other names: c.959G>A, p.Arg320Gln (NM_001142571.2); c.563G>A, p.Arg188Gln (NM_133629.3); short protein forms R300Q, R320Q, R188Q.
Identifiers: ClinVar variation 239405 (VCV000239405.31), dbSNP rs761290755, ClinGen allele CA8499324.
Genomic context (GRCh38, chr17:35,101,205, plus strand): 5'-ATGGAAACCACCCTCCAGGGCCCAAGATTACTGGCATCTTCCTGGGGCTGGCTCACCTGT[C>T]GGGAAGATTTGGCCAGACACGCCATGCGCCGGCCGCCTGATGCTCCTGCTCCCTCGATGG-3'
Protein context (NP_002869.3, residues 290-310): RRMACLAKSS[Arg300Gln]QPTGFQEMVD